The following is an entry in ClinVar:

ClinVar aggregate classification (germline): Pathogenic/Likely pathogenic. Review status: criteria provided, multiple submitters, no conflicts (2 of 4 stars). 7 submissions from 7 submitters: Pathogenic (3); Likely pathogenic (1). 3 of the submissions do not count toward it. Last evaluated 2026-07-31.

Conditions:
Mucopolysaccharidosis, MPS-III-B (MPS3B). Also called: MPS III B; MUCOPOLYSACCHARIDOSIS, TYPE IIIB; N-ACETYL-ALPHA-D-GLUCOSAMINIDASE DEFICIENCY; NAGLU DEFICIENCY; SANFILIPPO SYNDROME B; Mucopolysaccharidosis type IIIB (Sanfilippo B). Identifiers: Orphanet 79270, MedGen C0086648, MONDO:0009656, OMIM 252920.
Charcot-Marie-Tooth disease axonal type 2V. Also called: CHARCOT-MARIE-TOOTH NEUROPATHY, TYPE 2V; CHARCOT-MARIE-TOOTH DISEASE, AXONAL, AUTOSOMAL DOMINANT, TYPE 2V. Identifiers: Orphanet 447964, MedGen C5569050, MONDO:0014665, OMIM 616491.
NAGLU-related disorder. Also called: NAGLU-related condition.

Submissions (7):

GeneDx
Classification: Pathogenic. Last evaluated: 2026-07-31. Review status: criteria provided, single submitter. Criteria: GeneDx Variant Classification Process June 2021. Collection method: clinical testing. Allele origin: germline.
Comment: Frameshift variant predicted to result in protein truncation or nonsense mediated decay in a gene for which loss of function is a known mechanism of disease; Not observed at significant frequency in large population cohorts (gnomAD); Also known as ins5bp209; This variant is associated with the following publications: (PMID: 20852935, 10094189)

Natera, Inc.
Classification: Pathogenic for Mucopolysaccharidosis type IIIB. Last evaluated: 2025-05-13. Review status: criteria provided, single submitter. Criteria: Natera Variant Classification Schema (03/2026). Collection method: clinical testing. Allele origin: germline.
Comment: The c.217_221dupGCGCG variant in NAGLU is a frameshift variant predicted to shift the reading frame beginning at codon 75 and leads to a stop codon 49 codons downstream. This variant is expected to result in nonsense mediated decay, truncation, or a dysfunctional protein product. This variant is rare in the general population with a frequency below the threshold expected for the associated phenotype(s). This variant has been observed in one or more individuals affected with the associated recessive disease, as either homozygous or compound heterozygous with a second variant (PMID: 20852935). Given the available evidence, this variant is classified as Pathogenic.

Labcorp Genetics (formerly Invitae), Labcorp
Classification: Pathogenic for Charcot-Marie-Tooth disease axonal type 2V; Mucopolysaccharidosis, MPS-III-B. Last evaluated: 2023-12-25. Review status: criteria provided, single submitter. Criteria: Invitae Variant Classification Sherloc (09022015). Collection method: clinical testing. Allele origin: germline.
Comment: This sequence change creates a premature translational stop signal (p.Val75Argfs*49) in the NAGLU gene. It is expected to result in an absent or disrupted protein product. Loss-of-function variants in NAGLU are known to be pathogenic (PMID: 9832037, 10094189, 16151907). This variant is not present in population databases (gnomAD no frequency). This premature translational stop signal has been observed in individual(s) with mucopolysaccharidosis type IIIB (MPS IIIB) (PMID: 10094189, 20852935). This variant is also known as ins5bp209. For these reasons, this variant has been classified as Pathogenic.

Blueprint Genetics
Classification: Likely pathogenic for NAGLU-related disorders. Last evaluated: 2023-10-03. Review status: criteria provided, single submitter. Criteria: ACMG Guidelines, 2015. Collection method: clinical testing. Allele origin: germline. Affected: yes. Observed: 3 variant alleles.

Counsyl
Classification: Pathogenic for Mucopolysaccharidosis, MPS-III-B. Last evaluated: 2018-01-30. Review status: no assertion criteria provided. Collection method: clinical testing. Allele origin: unknown. Not counted in ClinVar's aggregate classification.

Clinical Genetics DNA and cytogenetics Diagnostics Lab, Erasmus MC, Erasmus Medical Center
Classification: Pathogenic. Review status: no assertion criteria provided. Collection method: clinical testing. Allele origin: germline. Affected: yes. Study: VKGL Data-share Consensus. Not counted in ClinVar's aggregate classification.

Genome Diagnostics Laboratory, Amsterdam University Medical Center
Classification: Pathogenic. Review status: no assertion criteria provided. Collection method: clinical testing. Allele origin: germline. Affected: yes. Study: VKGL Data-share Consensus. Not counted in ClinVar's aggregate classification.

Literature cited by the submitters: PubMed 20852935 (cited by 3 submitters); PubMed 9832037 (cited by Labcorp Genetics (formerly Invitae), Labcorp); PubMed 10094189 (cited by Labcorp Genetics (formerly Invitae), Labcorp and Counsyl); PubMed 16151907 (cited by Labcorp Genetics (formerly Invitae), Labcorp); PubMed 11153910 (cited by Counsyl).

NM_000263.4(NAGLU):c.217_221dup (p.Val75fs)

Genes: NAGLU (N-acetyl-alpha-glucosaminidase; plus strand), LOC130060903 (ATAC-STARR-seq lymphoblastoid silent region 8533; plus strand). Cytogenetic location: 17q21.2.
Variant type: Microsatellite.
Coding change: c.217_221dup on transcript NM_000263.4 (MANE Select); coding-DNA positions 217 to 221, 5 bases duplicated (GCGCG; older notation c.217_221dupGCGCG).
Protein change: p.Val75fs; shifts the reading frame from valine 75.
Molecular consequence: frameshift variant.
Genome position (GRCh38, 1-based): chr17:42,536,489-42,536,493, GCGCG duplicated; duplicating any 5 consecutive bases within chr17:42,536,481-42,536,493 gives the same sequence; the c. name uses the placement nearest the transcript's 3' end. VCF-style (leftmost placement, unchanged base first): chr17-42536480-G-GGCGGC. GRCh37 (hg19) VCF-style: chr17-40688498-G-GGCGGC.
Other names: c.217_221dup (NM_000263.3); c.217_221dupGCGCG (NM_000263.3); short protein forms V75fs.
Identifiers: ClinVar variation 556349 (VCV000556349.17), dbSNP rs1555621442, ClinGen allele CA658823944.